The following is an entry in ClinVar:

NM_213607.3(DNAAF19):c.276+1_277-298del

Gene: DNAAF19 (dynein axonemal assembly factor 19; plus strand). Cytogenetic location: 17q21.31.
Variant type: Deletion.
Coding change: c.276+1_277-298del on transcript NM_213607.3 (MANE Select); the canonical splice donor site of the intron after coding-DNA position 276 through 298 bases into the intron before coding-DNA position 277, 415 bases deleted.
Molecular consequence: splice donor variant.
Genome position (GRCh38, 1-based): chr17:44,901,653-44,902,067, 415 bases deleted. GRCh37 (hg19): chr17:42,979,021-42,979,435.
Other names: c.277_281-298del (NM_001258399.2); c.276+1_277-251del (NM_001258397.3); c.277_281-301del (NM_001258398.3); c.276+1_277-298del (NM_001258396.2, NM_001258395.2).
Identifiers: ClinVar variation 859125 (VCV000859125.18), dbSNP rs2051550027, ClinGen allele CA916083543.

ClinVar aggregate classification (germline): Pathogenic (1 of 4 stars; one submission).

Conditions:
Primary ciliary dyskinesia. Also called: Ciliary dyskinesia. Identifiers: Orphanet 244, MedGen C0008780, MONDO:0016575, HP:0012265.

Submission:

Labcorp Genetics (formerly Invitae), Labcorp
Classification: Pathogenic for Primary ciliary dyskinesia. Last evaluated: 2022-08-16. Review status: criteria provided, single submitter. Criteria: Invitae Variant Classification Sherloc (09022015). Collection method: clinical testing. Allele origin: germline.
Comment: For these reasons, this variant has been classified as Pathogenic. Variants that disrupt the consensus splice site are a relatively common cause of aberrant splicing (PMID: 17576681, 9536098). ClinVar contains an entry for this variant (Variation ID: 859125). Disruption of this splice site has been observed in individual(s) with clinical features of primary ciliary dyskinesia (Invitae). In at least one individual the data is consistent with being in trans (on the opposite chromosome) from a pathogenic variant. This variant is not present in population databases (gnomAD no frequency). This sequence change affects a donor splice site in intron 3 of the CCDC103 gene. While this variant is not anticipated to result in nonsense mediated decay, it likely alters RNA splicing and results in a disrupted protein product.

Literature cited by the submitters: PubMed 17576681; PubMed 9536098.